The following is an entry in ClinVar:

ClinVar aggregate classification (germline): Uncertain significance (1 of 4 stars; one submission).

Conditions:
Hereditary spastic paraplegia 35. Also called: LEUKODYSTROPHY, DYSMYELINATING, AND SPASTIC PARAPARESIS WITH OR WITHOUT DYSTONIA; Spastic paraplegia 35, autosomal recessive; SPASTIC PARAPLEGIA 35, AUTOSOMAL RECESSIVE, WITH OR WITHOUT NEURODEGENERATION; Spastic paraplegia 35. Identifiers: Orphanet 171629, MedGen C3496228, MONDO:0012866, OMIM 612319.

Submission:

Foundation for Research in Genetics and Endocrinology, FRIGE's Institute of Human Genetics
Classification: Uncertain significance for Hereditary spastic paraplegia 35. Last evaluated: 2024-04-12. Review status: criteria provided, single submitter. Criteria: ACMG Guidelines, 2015. Collection method: clinical testing. Allele origin: germline. Inheritance: Autosomal recessive inheritance. Affected: yes. Observed: 1 compound heterozygote.
Comment: A likely compound heterozygous missense variant in exon 3 of the FA2H gene that results in the amino acid substitution of Leucine for Arginine at codon 127 (p.Arg127Leu) was detected. The variant has not been reported in the 1000 genomes, gnomAD (v3.1), gnomdAD (v2.1) and topmed databases. The in silico prediction of the variant is damaging by SIFT. The reference codon is conserved across species. In summary, the variant meets our criteria to be classified as variant of uncertain significance.

NM_024306.5(FA2H):c.380G>T (p.Arg127Leu)

Gene: FA2H (fatty acid 2-hydroxylase; minus strand). Cytogenetic location: 16q23.1.
Variant type: single nucleotide variant.
Coding change: c.380G>T on transcript NM_024306.5 (MANE Select); coding-DNA position 380, G replaced by T.
Protein change: p.Arg127Leu; replaces arginine 127 with leucine.
Molecular consequence: missense variant.
Genome position (GRCh38, 1-based): chr16:74,727,370, C>A on the plus strand (G>T on the coding strand, the complement: FA2H is on the minus strand). VCF-style: chr16-74727370-C-A. GRCh37 (hg19) VCF-style: chr16-74761268-C-A.
Other names: p.Arg127Leu; short protein forms R127L.
Identifiers: ClinVar variation 3069164 (VCV003069164.2), dbSNP rs867338122, ClinGen allele CA396770241.